The following is an entry in ClinVar:

NM_001613.4(ACTA2):c.508G>T (p.Gly170Cys)

Gene: ACTA2 (actin alpha 2, smooth muscle; minus strand). Cytogenetic location: 10q23.31.
Variant type: single nucleotide variant.
Coding change: c.508G>T on transcript NM_001613.4 (MANE Select); coding-DNA position 508, G replaced by T.
Protein change: p.Gly170Cys; replaces glycine 170 with cysteine.
Molecular consequence: missense variant.
Genome position (GRCh38, 1-based): chr10:88,941,337, C>A on the plus strand (G>T on the coding strand, the complement: ACTA2 is on the minus strand). VCF-style: chr10-88941337-C-A. GRCh37 (hg19) VCF-style: chr10-90701094-C-A.
Other names: c.508G>T, p.Gly170Cys (NM_001141945.3, NM_001320855.2, NM_001406462.1 and 3 more transcripts); c.397G>T, p.Gly133Cys (NM_001406466.1); c.379G>T, p.Gly127Cys (NM_001406467.1, NM_001406468.1, NM_001406469.1); short protein forms G127C, G133C, G170C.
Identifiers: ClinVar variation 4867283 (VCV004867283.1).
Genomic context (GRCh38, chr10:88,941,337, plus strand): 5'-AGTCAGTGAGATCTCGGCCAGCCAGATCCAGACGCATGATGGCATGGGGCAAGGCATAGC[C>A]CTCATAGATGGGGACATTGTGGGTGACACCATCTCCAGAGTCCAGCACGATGCCTGGGAG-3'
Protein context (NP_001604.1, residues 160-180): GVTHNVPIYE[Gly170Cys]YALPHAIMRL

ClinVar aggregate classification (germline): Uncertain significance (1 of 4 stars; one submission).

Conditions:
Familial thoracic aortic aneurysm and aortic dissection (TAAD). Also called: Thoracic aortic aneurysms and dissections. Identifiers: Orphanet 91387, MedGen C4707243, MONDO:0019625.

Submission:

Ambry Genetics
Classification: Uncertain significance for Familial thoracic aortic aneurysm and aortic dissection. Last evaluated: 2026-03-21. Review status: criteria provided, single submitter. Criteria: Ambry Variant Classification Scheme 2023. Collection method: clinical testing. Allele origin: germline.
Comment: The p.G170C variant (also known as c.508G>T), located in coding exon 5 of the ACTA2 gene, results from a G to T substitution at nucleotide position 508. The glycine at codon 170 is replaced by cysteine, an amino acid with highly dissimilar properties. This amino acid position is conserved. In addition, this alteration is predicted to be deleterious by in silico analysis. Based on the available evidence, the clinical significance of this variant remains unclear.